The following is an entry in ClinVar:

ClinVar aggregate classification (germline): Likely pathogenic (1 of 4 stars; one submission).

Submission:

Labcorp Genetics (formerly Invitae), Labcorp
Classification: Likely pathogenic. Last evaluated: 2022-11-10. Review status: criteria provided, single submitter. Criteria: Invitae Variant Classification Sherloc (09022015). Collection method: clinical testing. Allele origin: germline.
Comment: This sequence change affects a donor splice site in intron 38 of the MPDZ gene. It is expected to disrupt RNA splicing. Variants that disrupt the donor or acceptor splice site typically lead to a loss of protein function (PMID: 16199547), and loss-of-function variants in MPDZ are known to be pathogenic (PMID: 23240096, 28556411). This variant is not present in population databases (gnomAD no frequency). This variant has not been reported in the literature in individuals affected with MPDZ-related conditions. Algorithms developed to predict the effect of sequence changes on RNA splicing suggest that this variant may disrupt the consensus splice site. In summary, the currently available evidence indicates that the variant is pathogenic, but additional data are needed to prove that conclusively. Therefore, this variant has been classified as Likely Pathogenic.

Literature cited by the submitters: PubMed 16199547; PubMed 23240096; PubMed 28556411.

NM_001378778.1(MPDZ):c.5231+1G>C

Gene: MPDZ (multiple PDZ domain crumbs cell polarity complex component; minus strand). Cytogenetic location: 9p23.
Variant type: single nucleotide variant.
Coding change: c.5231+1G>C on transcript NM_001378778.1 (MANE Select); the canonical splice donor site of the intron after coding-DNA position 5231, G replaced by C.
Molecular consequence: splice donor variant.
Genome position (GRCh38, 1-based): chr9:13,121,738, C>G on the plus strand (G>C on the coding strand, the complement: MPDZ is on the minus strand). VCF-style: chr9-13121738-C-G. GRCh37 (hg19) VCF-style: chr9-13121737-C-G.
Other names: c.5021+1G>C (NM_001375425.1, NM_001375420.1, NM_001375423.1 and 4 more transcripts); c.5132+1G>C (NM_001375419.1, NM_001375416.1, NM_001375418.1 and 3 more transcripts); c.5231+1G>C (NM_001330637.2, NM_003829.5); c.4823+1G>C (NM_001375427.1); c.5330+1G>C (NM_001375413.1).
Identifiers: ClinVar variation 2813225 (VCV002813225.3), dbSNP rs1563840864, ClinGen allele CA372944095.
Genomic context (GRCh38, chr9:13,121,738, plus strand): 5'-TAAAATGATTTAAGTCCCATCATTTCCAAGGGAGCATTGGGTTTGTCCTCCTCAATCACA[C>G]CTTTTACCAACAATACTTAATCCTAGGCCTTTTCCCGGCTTCTTCTGCAGCTCAATAGTG-3'